The following is an entry in ClinVar:

ClinVar aggregate classification (germline): Uncertain significance (1 of 4 stars; one submission).

Submission:

GeneDx
Classification: Uncertain significance. Last evaluated: 2026-09-25. Review status: criteria provided, single submitter. Criteria: GeneDx Variant Classification Process June 2021. Collection method: clinical testing. Allele origin: germline.
Comment: Not observed at significant frequency in large population cohorts (gnomAD); In silico analysis suggests that this missense variant does not alter protein structure/function; Has not been previously published as pathogenic or benign to our knowledge

NM_020987.5(ANK3):c.5017T>C (p.Ser1673Pro)

Gene: ANK3 (ankyrin 3; minus strand). Cytogenetic location: 10q21.2.
Variant type: single nucleotide variant.
Coding change: c.5017T>C on transcript NM_020987.5 (MANE Select); coding-DNA position 5017, T replaced by C.
Protein change: p.Ser1673Pro; replaces serine 1673 with proline.
Molecular consequence: missense variant. On other transcripts: intron variant (4).
Genome position (GRCh38, 1-based): chr10:60,075,864, A>G on the plus strand (T>C on the coding strand, the complement: ANK3 is on the minus strand). VCF-style: chr10-60075864-A-G. GRCh37 (hg19) VCF-style: chr10-61835622-A-G.
Other names: c.4387+4673T>C (NM_001204403.2); c.4408+4673T>C (NM_001204404.2); c.4405+4673T>C (NM_001320874.2); c.1807+4673T>C (NM_001149.4); short protein forms S1673P.
Identifiers: ClinVar variation 3770080 (VCV003770080.2).